The following is an entry in ClinVar:

NM_001010874.5(TECRL):c.-1A>T

Gene: TECRL (trans-2,3-enoyl-CoA reductase like; minus strand). Cytogenetic location: 4q13.1.
Variant type: single nucleotide variant.
Coding change: c.-1A>T on transcript NM_001010874.5 (MANE Select); 1 bases upstream of the start codon, A replaced by T.
Molecular consequence: 5 prime UTR variant.
Genome position (GRCh38, 1-based): chr4:64,409,352, T>A on the plus strand (A>T on the coding strand, the complement: TECRL is on the minus strand). VCF-style: chr4-64409352-T-A. GRCh37 (hg19) VCF-style: chr4-65275070-T-A.
Other names: c.-1A>T (NM_001363796.1).
Identifiers: ClinVar variation 1343893 (VCV001343893.7), dbSNP rs144018505, ClinGen allele CA2935722.

ClinVar aggregate classification (germline): Uncertain significance. Review status: criteria provided, multiple submitters, no conflicts (2 of 4 stars). 3 submissions from 3 submitters: Uncertain significance (3). Last evaluated 2025-04-03.

Conditions:
Cardiovascular phenotype. Identifiers: MedGen CN230736.

Allele frequency attached by ClinVar (database versions not stated): ESP Exome Variant Server 0.00008; gnomAD exomes 0.00009; ExAC 0.00010.

Submissions (3):

GeneDx
Classification: Uncertain significance. Last evaluated: 2025-04-03. Review status: criteria provided, single submitter. Criteria: GeneDx Variant Classification Process June 2021. Collection method: clinical testing. Allele origin: germline. Affected: yes.
Comment: Has not been previously published as pathogenic or benign to our knowledge

Blueprint Genetics
Classification: Uncertain significance. Last evaluated: 2024-11-20. Review status: criteria provided, single submitter. Criteria: ACMG Guidelines, 2015. Collection method: clinical testing. Allele origin: germline.

Ambry Genetics
Classification: Uncertain significance for Cardiovascular phenotype. Last evaluated: 2023-03-31. Review status: criteria provided, single submitter. Criteria: Ambry Variant Classification Scheme 2023. Collection method: clinical testing. Allele origin: germline.
Comment: The c.-1A>T variant is located in the 5' untranslated region (5&rsquo; UTR) of the TECRL gene. This variant results from an A to T substitution 1 bases upstream from the first translated codon. Based on nucleotide sequence alignment, this position is not well conserved in available vertebrate species. Since supporting evidence is limited at this time, the clinical significance of this alteration remains unclear.